The following is an entry in ClinVar:

NM_001386795.1(DTNA):c.2101C>T (p.His701Tyr)

Gene: DTNA (dystrobrevin alpha; plus strand). Cytogenetic location: 18q12.1.
Variant type: single nucleotide variant.
Coding change: c.2101C>T on transcript NM_001386795.1 (MANE Select); coding-DNA position 2101, C replaced by T.
Protein change: p.His701Tyr; replaces histidine 701 with tyrosine.
Molecular consequence: missense variant.
Genome position (GRCh38, 1-based): chr18:34,879,658, C>T. VCF-style: chr18-34879658-C-T. GRCh37 (hg19) VCF-style: chr18-32459622-C-T.
Other names: p.H614Y:CAT>TAT; c.1930C>T, p.His644Tyr (NM_001386758.1, NM_001386759.1, NM_001386754.1 and 3 more transcripts); c.1927C>T, p.His643Tyr (NM_001386760.1); c.1849C>T, p.His617Tyr (NM_001386761.1, NM_032975.4); c.1846C>T, p.His616Tyr (NM_001386762.1); c.1840C>T, p.His614Tyr (NM_001386763.1, NM_001386764.1, NM_001386765.1 and 5 more transcripts); c.1861C>T, p.His621Tyr (NM_001198939.2); c.1147C>T, p.His383Tyr (NM_001198942.1); and 6 more; short protein forms H614Y, H617Y, H674Y, H364Y, H383Y, H621Y, H322Y, H326Y.
Identifiers: ClinVar variation 201768 (VCV000201768.11), dbSNP rs772866088, ClinGen allele CA335135.

ClinVar aggregate classification (germline): Uncertain significance. Review status: criteria provided, multiple submitters, no conflicts (2 of 4 stars). 3 submissions from 3 submitters: Uncertain significance (3). Last evaluated 2023-08-30.

Conditions:
Left ventricular noncompaction 1 (LVNC1). Also called: LEFT VENTRICULAR NONCOMPACTION 1 WITH OR WITHOUT CONGENITAL HEART DEFECTS. Identifiers: Orphanet 54260, MedGen C1858725, MONDO:0011403, OMIM 604169.

Allele frequency attached by ClinVar (database versions not stated): gnomAD 0.00003 and 0.00001; gnomAD exomes 0.00003 and 0.00007; TOPMed 0.00004; ExAC 0.00005.
gnomAD v4.1: 23 of 1,614,076 alleles (0.0014%); highest among the groups gnomAD compares: Admixed American, 0.038%; 1 homozygote.

Submissions (3):

Labcorp Genetics (formerly Invitae), Labcorp
Classification: Uncertain significance for Left ventricular noncompaction 1. Last evaluated: 2023-08-30. Review status: criteria provided, single submitter. Criteria: Invitae Variant Classification Sherloc (09022015). Collection method: clinical testing. Allele origin: germline.
Comment: This sequence change replaces histidine, which is basic and polar, with tyrosine, which is neutral and polar, at codon 674 of the DTNA protein (p.His674Tyr). This variant is present in population databases (rs772866088, gnomAD 0.05%), and has an allele count higher than expected for a pathogenic variant. This variant has not been reported in the literature in individuals affected with DTNA-related conditions. ClinVar contains an entry for this variant (Variation ID: 201768). An algorithm developed to predict the effect of missense changes on protein structure and function (PolyPhen-2) suggests that this variant is likely to be tolerated. In summary, the available evidence is currently insufficient to determine the role of this variant in disease. Therefore, it has been classified as a Variant of Uncertain Significance.

GeneDx
Classification: Uncertain significance. Last evaluated: 2021-09-24. Review status: criteria provided, single submitter. Criteria: GeneDx Variant Classification Process June 2021. Collection method: clinical testing. Allele origin: germline. Affected: yes.
Comment: Has not been previously published as pathogenic or benign to our knowledge; In silico analysis supports that this missense variant does not alter protein structure/function; Variants in candidate genes are classified as variants of uncertain significance in accordance with ACMG guidelines (Richards et al., 2015)

Daryl Scott Lab, Baylor College of Medicine
Classification: Uncertain significance for Left ventricular noncompaction 1. Review status: criteria provided, single submitter. Criteria: ACMG Guidelines, 2015. Collection method: clinical testing. Allele origin: maternal. Affected: yes. Observed: 1 heterozygote.
Comment: BS2